The following is an entry in ClinVar:

NM_001854.4(COL11A1):c.3168+1G>C

Gene: COL11A1 (collagen type XI alpha 1 chain; minus strand). Cytogenetic location: 1p21.1.
Variant type: single nucleotide variant.
Coding change: c.3168+1G>C on transcript NM_001854.4 (MANE Select); the canonical splice donor site of the intron after coding-DNA position 3168, G replaced by C.
Molecular consequence: splice donor variant.
Genome position (GRCh38, 1-based): chr1:102,961,865, C>G on the plus strand (G>C on the coding strand, the complement: COL11A1 is on the minus strand). VCF-style: chr1-102961865-C-G. GRCh37 (hg19) VCF-style: chr1-103427421-C-G.
Other names: c.3051+1G>C (NM_001190709.2); c.3204+1G>C (NM_080629.3); c.2820+1G>C (NM_080630.4).
Identifiers: ClinVar variation 4294347 (VCV004294347.1).
Genomic context (GRCh38, chr1:102,961,865, plus strand): 5'-TGAAAGAAGAGCTGTAATTCACAACCATGATTGTCTGGCTATTTATTATCATCATACTTA[C>G]AACTGGACCTGGTGGGCCCTGGGGACCTTCCCCTCCTTTCAGTCCAGGTGCACCCTGGGA-3'

ClinVar aggregate classification (germline): Likely pathogenic (1 of 4 stars; one submission).

Conditions:
Marshall syndrome (MRSHS). Identifiers: Orphanet 560, MedGen C0265235, MONDO:0007949, OMIM 154780.
Stickler syndrome. Identifiers: Orphanet 828, MedGen C0265253, MONDO:0019354.

Submission:

Laboratorio de Biologia Molecular/Medicina Genomica - IFF/Fiocruz, Instituto Fernandes Figueira, Fundacao Oswaldo Cruz
Classification: Likely pathogenic for Marshall syndrome; Stickler syndrome. Last evaluated: 2025-07-11. Review status: criteria provided, single submitter. Criteria: ACMG Guidelines, 2015. Collection method: clinical testing. Allele origin: germline. Affected: yes. Observed: 1 variant allele.
Comment: Variant: c.3168+1G>C in intron 41 of the COL11A1 gene. Protein effect: Predicted to disrupt mRNA processing due to loss of the splice donor site (spliceAI score: 0.99). Residue evidence: Another pathogenic variant affecting the same splice donor site has been reported in individuals with Stickler syndrome (Accession: VCV001396245.7). Population/literature data: Absent in population databases (gnomAD) and not previously reported in the literature. ACMG/AMP criteria applied: PVS1_Moderate, PS1, PM2_Supporting, following ClinGen SVI recommendations.